The following is an entry in ClinVar:

NM_001876.4(CPT1A):c.602G>A (p.Arg201Gln)

Gene: CPT1A (carnitine palmitoyltransferase 1A; minus strand). Cytogenetic location: 11q13.3.
Variant type: single nucleotide variant.
Coding change: c.602G>A on transcript NM_001876.4 (MANE Select); coding-DNA position 602, G replaced by A.
Protein change: p.Arg201Gln; replaces arginine 201 with glutamine.
Molecular consequence: missense variant.
Genome position (GRCh38, 1-based): chr11:68,799,309, C>T on the plus strand (G>A on the coding strand, the complement: CPT1A is on the minus strand). VCF-style: chr11-68799309-C-T. GRCh37 (hg19) VCF-style: chr11-68566777-C-T.
Other names: c.602G>A, p.Arg201Gln (NM_001031847.3); c.602G>A (NM_001876.3); short protein forms R201Q.
Identifiers: ClinVar variation 2147016 (VCV002147016.2), dbSNP rs769207927, ClinGen allele CA6152612.

ClinVar aggregate classification (germline): Uncertain significance. Review status: criteria provided, multiple submitters, no conflicts (2 of 4 stars). 2 submissions from 2 submitters: Uncertain significance (2). Last evaluated 2024-06-02.

Conditions:
Inborn genetic diseases. Identifiers: MedGen C0950123, MeSH D030342.
Carnitine palmitoyl transferase 1A deficiency. Also called: Carnitine palmitoyltransferase 1A deficiency; CPT I DEFICIENCY; CPT DEFICIENCY, HEPATIC, TYPE I; CPT deficiency, hepatic, type IA; Carnitine palmitoyltransferase type I deficiency. Identifiers: Orphanet 156, MedGen C1829703, MONDO:0009705, OMIM 255120.

Allele frequency attached by ClinVar (database versions not stated): TOPMed below 0.00001; ExAC 0.00001; gnomAD exomes 0.00001; gnomAD 0.00002.

Submissions (2):

Ambry Genetics
Classification: Uncertain significance for Inborn genetic diseases. Last evaluated: 2024-06-02. Review status: criteria provided, single submitter. Criteria: Ambry Variant Classification Scheme 2023. Collection method: clinical testing. Allele origin: germline.

Labcorp Genetics (formerly Invitae), Labcorp
Classification: Uncertain significance for Carnitine palmitoyl transferase 1A deficiency. Last evaluated: 2022-06-01. Review status: criteria provided, single submitter. Criteria: Invitae Variant Classification Sherloc (09022015). Collection method: clinical testing. Allele origin: germline.
Comment: This sequence change replaces arginine, which is basic and polar, with glutamine, which is neutral and polar, at codon 201 of the CPT1A protein (p.Arg201Gln). This variant is present in population databases (rs769207927, gnomAD 0.01%). This variant has not been reported in the literature in individuals affected with CPT1A-related conditions. Algorithms developed to predict the effect of missense changes on protein structure and function are either unavailable or do not agree on the potential impact of this missense change (SIFT: "Deleterious"; PolyPhen-2: "Benign"; Align-GVGD: "Class C0"). In summary, the available evidence is currently insufficient to determine the role of this variant in disease. Therefore, it has been classified as a Variant of Uncertain Significance.